The following is an entry in ClinVar:

NM_181776.3(SLC36A2):c.40G>A (p.Val14Ile)

Genes: SLC36A1 (solute carrier family 36 member 1; plus strand), SLC36A2 (solute carrier family 36 member 2; minus strand). Cytogenetic location: 5q33.1.
Variant type: single nucleotide variant.
Coding change: c.40G>A on transcript NM_181776.3 (MANE Select); coding-DNA position 40, G replaced by A.
Protein change: p.Val14Ile; replaces valine 14 with isoleucine.
Molecular consequence: missense variant.
Genome position (GRCh38, 1-based): chr5:151,347,421, C>T on the plus strand (G>A on the coding strand, the complement: SLC36A2 is on the minus strand). VCF-style: chr5-151347421-C-T. GRCh37 (hg19) VCF-style: chr5-150726982-C-T.
Other names: short protein forms V14I.
Identifiers: ClinVar variation 4801459 (VCV004801459.1).

ClinVar aggregate classification (germline): Uncertain significance (1 of 4 stars; one submission).

gnomAD v4.1: 43 of 1,614,082 alleles (0.0027%); highest among the groups gnomAD compares: South Asian, 0.0066%; no homozygotes.

Submission:

Labcorp Genetics (formerly Invitae), Labcorp
Classification: Uncertain significance. Last evaluated: 2026-01-08. Review status: criteria provided, single submitter. Criteria: Invitae Variant Classification Sherloc (09022015). Collection method: clinical testing. Allele origin: germline.
Comment: This sequence change replaces valine, which is neutral and non-polar, with isoleucine, which is neutral and non-polar, at codon 14 of the SLC36A2 protein (p.Val14Ile). This variant is present in population databases (no rsID available, gnomAD 0.007%). This variant has not been reported in the literature in individuals affected with SLC36A2-related conditions. An algorithm developed to predict the effect of missense changes on protein structure and function (PolyPhen-2) suggests that this variant is likely to be tolerated. In summary, the available evidence is currently insufficient to determine the role of this variant in disease. Therefore, it has been classified as a Variant of Uncertain Significance.